The following is an entry in ClinVar:

ClinVar aggregate classification (germline): Uncertain significance (1 of 4 stars; one submission).

Allele frequency attached by ClinVar (database versions not stated): gnomAD exomes below 0.00001; TOPMed 0.00002.
gnomAD v4.1: 3 of 1,607,698 alleles (0.00019%); highest among the groups gnomAD compares: East Asian, 0.0067%; no homozygotes.

Submission:

Labcorp Genetics (formerly Invitae), Labcorp
Classification: Uncertain significance. Last evaluated: 2023-10-29. Review status: criteria provided, single submitter. Criteria: Invitae Variant Classification Sherloc (09022015). Collection method: clinical testing. Allele origin: germline.
Comment: This sequence change falls in intron 5 of the FBXO11 gene. It does not directly change the encoded amino acid sequence of the FBXO11 protein. It affects a nucleotide within the consensus splice site. This variant is not present in population databases (gnomAD no frequency). This variant has not been reported in the literature in individuals affected with FBXO11-related conditions. ClinVar contains an entry for this variant (Variation ID: 1513828). Variants that disrupt the consensus splice site are a relatively common cause of aberrant splicing (PMID: 17576681, 9536098). Algorithms developed to predict the effect of sequence changes on RNA splicing suggest that this variant is not likely to affect RNA splicing. In summary, the available evidence is currently insufficient to determine the role of this variant in disease. Therefore, it has been classified as a Variant of Uncertain Significance.

Literature cited by the submitters: PubMed 17576681; PubMed 9536098.

NM_001190274.2(FBXO11):c.718-3T>C

Gene: FBXO11 (F-box protein 11; minus strand). Cytogenetic location: 2p16.3.
Variant type: single nucleotide variant.
Coding change: c.718-3T>C on transcript NM_001190274.2 (MANE Select); 3 bases into the intron before coding-DNA position 718, T replaced by C.
Molecular consequence: intron variant.
Genome position (GRCh38, 1-based): chr2:47,834,874, A>G on the plus strand (T>C on the coding strand, the complement: FBXO11 is on the minus strand). VCF-style: chr2-47834874-A-G. GRCh37 (hg19) VCF-style: chr2-48062013-A-G.
Other names: c.466-3T>C (NM_001374325.1, NM_025133.4).
Identifiers: ClinVar variation 1513828 (VCV001513828.6), dbSNP rs1044407748, ClinGen allele CA47225201.